The following is an entry in ClinVar:

NM_001378964.1(CDON):c.3622_3631del (p.Phe1208fs)

Gene: CDON (cell adhesion associated, oncogene regulated; minus strand). Cytogenetic location: 11q24.2.
Variant type: Deletion.
Coding change: c.3622_3631del on transcript NM_001378964.1 (MANE Select); coding-DNA positions 3622 to 3631, 10 bases deleted (TTCAGCAGAG; older notation c.3622_3631delTTCAGCAGAG).
Protein change: p.Phe1208fs; shifts the reading frame from phenylalanine 1208.
Molecular consequence: frameshift variant.
Genome position (GRCh38, 1-based): chr11:125,961,724-125,961,733, CTCTGCTGAA deleted on the plus strand (TTCAGCAGAG on the coding strand, the reverse complement: CDON is on the minus strand); deleting any 10 consecutive bases within chr11:125,961,724-125,961,741 gives the same sequence; the c. name uses the placement nearest the transcript's 3' end. VCF-style (leftmost placement, unchanged base first): chr11-125961723-CCTCTGCTGAA-C. GRCh37 (hg19) VCF-style: chr11-125831618-CCTCTGCTGAA-C.
Other names: c.3614_3623delCAGCAGAGTT, p.Phe1208Valfs (NM_001243597.3); c.3614_3623delCAGCAGAGTT, p.Phe1208Glufs (NM_016952.4, NM_016952.6); c.3622_3631del (NM_016952.4); short protein forms F1208fs.
Identifiers: ClinVar variation 1433493 (VCV001433493.8), dbSNP rs757327325, ClinGen allele CA6351363.
Genomic context (GRCh38, chr11:125,961,723, plus strand): 5'-ACACAGCTCTTAGCTAACTGAAGATGATCTGGAATCCTAAGGTTGATCATGCCTTCCTGA[CCTCTGCTGAA>C]CTCTGCTGGATCTTCTGAGCCATCAGAGCTGACGTCATTTACAATGTCCTGACAGCAGGT-3'

ClinVar aggregate classification (germline): Uncertain significance. Review status: criteria provided, multiple submitters, no conflicts (2 of 4 stars). 2 submissions from 2 submitters: Uncertain significance (2). Last evaluated 2025-11-17.

Conditions:
Holoprosencephaly 11 (HPE11). Identifiers: Orphanet 2162, MedGen C3280215, MONDO:0013642, OMIM 614226.

Submissions (2):

Labcorp Genetics (formerly Invitae), Labcorp
Classification: Uncertain significance for Holoprosencephaly 11. Last evaluated: 2025-11-17. Review status: criteria provided, single submitter. Criteria: Invitae Variant Classification Sherloc (09022015). Collection method: clinical testing. Allele origin: germline.
Comment: This sequence change creates a premature translational stop signal (p.Phe1208Glufs*14) in the CDON gene. While this is not anticipated to result in nonsense mediated decay, it is expected to disrupt the last 57 amino acid(s) of the CDON protein. This variant is present in population databases (rs757327325, gnomAD 0.0009%). This variant has not been reported in the literature in individuals affected with CDON-related conditions. ClinVar contains an entry for this variant (Variation ID: 1433493). Algorithms developed to predict the effect of sequence changes on RNA splicing suggest that this variant may disrupt the consensus splice site. In summary, the available evidence is currently insufficient to determine the role of this variant in disease. Therefore, it has been classified as a Variant of Uncertain Significance.

GeneDx
Classification: Uncertain significance. Last evaluated: 2025-09-19. Review status: criteria provided, single submitter. Criteria: GeneDx Variant Classification Process June 2021. Collection method: clinical testing. Allele origin: germline.
Comment: Frameshift variant predicted to result in abnormal protein length as the last 57 amino acid(s) are replaced with 13 different amino acid(s) with an unclear effect on protein function; Not observed at significant frequency in large population cohorts (gnomAD); Has not been previously published as pathogenic or benign to our knowledge